The following is an entry in ClinVar:

NM_021098.3(CACNA1H):c.6234C>T (p.Cys2078=)

Gene: CACNA1H (calcium voltage-gated channel subunit alpha1 H; plus strand). Cytogenetic location: 16p13.3.
Variant type: single nucleotide variant.
Coding change: c.6234C>T on transcript NM_021098.3 (MANE Select); coding-DNA position 6234, C replaced by T.
Protein change: p.Cys2078=; no amino-acid change (cysteine 2078 retained).
Molecular consequence: synonymous variant.
Genome position (GRCh38, 1-based): chr16:1,220,166, C>T. VCF-style: chr16-1220166-C-T. GRCh37 (hg19) VCF-style: chr16-1270166-C-T.
Other names: p.Cys2078=; c.6216C>T, p.Cys2072= (NM_001005407.2).
Identifiers: ClinVar variation 96017 (VCV000096017.45), dbSNP rs59844753, ClinGen allele CA149157.

ClinVar aggregate classification (germline): Benign/Likely benign. Review status: criteria provided, multiple submitters, no conflicts (2 of 4 stars). 8 submissions from 8 submitters: Benign (5); Likely benign (3). Last evaluated 2026-02-03.

Conditions:
Hyperaldosteronism, familial, type IV (HALD4). Also called: FH IV; ALDOSTERONISM, PRIMARY, AND HYPERTENSION. Identifiers: Orphanet 642671, MedGen C4310756, MONDO:0014875, OMIM 617027.
Idiopathic generalized epilepsy. Also called: Generalised epilepsy; EIG. Identifiers: MedGen C0270850, MONDO:0005579, OMIM 600669.

Allele frequency attached by ClinVar (database versions not stated): 1000 Genomes Project 0.00479; 1000 Genomes Project 30x 0.00484; TOPMed 0.00889; ESP Exome Variant Server 0.00899; gnomAD exomes 0.00947; ExAC 0.01010.
gnomAD v4.1: 17,559 of 1,520,138 alleles (1.2%); highest among the groups gnomAD compares: Non-Finnish European, 1.4%; 136 homozygotes.

Submissions (8):

Labcorp Genetics (formerly Invitae), Labcorp
Classification: Benign for Idiopathic generalized epilepsy; Hyperaldosteronism, familial, type IV. Last evaluated: 2026-02-03. Review status: criteria provided, single submitter. Criteria: Invitae Variant Classification Sherloc (09022015). Collection method: clinical testing. Allele origin: germline.

CeGaT Center for Human Genetics Tuebingen
Classification: Benign. Last evaluated: 2025-08-01. Review status: criteria provided, single submitter. Criteria: CeGaT Center For Human Genetics Tuebingen Variant Classification Criteria Version 2. Collection method: clinical testing. Allele origin: germline. Affected: yes. Observed: 6 variant alleles.
Comment: CACNA1H: BS1, BS2

Mayo Clinic Laboratories, Mayo Clinic
Classification: Benign. Last evaluated: 2025-06-22. Review status: criteria provided, single submitter. Criteria: ACMG Guidelines, 2015. Collection method: clinical testing. Allele origin: germline. Observed: 1 variant allele.
Comment: BS1, BS2, BP4, BP7

Blueprint Genetics
Classification: Likely benign. Last evaluated: 2024-11-27. Review status: criteria provided, single submitter. Criteria: ACMG Guidelines, 2015. Collection method: clinical testing. Allele origin: germline.

GeneDx
Classification: Likely benign. Last evaluated: 2020-06-25. Review status: criteria provided, single submitter. Criteria: GeneDx Variant Classification Process June 2021. Collection method: clinical testing. Allele origin: germline. Affected: yes.

Athena Diagnostics
Classification: Benign. Last evaluated: 2017-07-12. Review status: criteria provided, single submitter. Criteria: Athena Diagnostics Criteria. Collection method: clinical testing. Allele origin: germline.

Eurofins Ntd Llc (ga)
Classification: Benign. Last evaluated: 2013-07-03. Review status: criteria provided, single submitter. Criteria: EGL Classification Definitions 2015. Collection method: clinical testing. Allele origin: germline. Observed: 1 variant allele, 1 heterozygote.

Breakthrough Genomics
Classification: Likely benign. Review status: criteria provided, single submitter. Criteria: ACMG Guidelines, 2015. Collection method: not provided. Allele origin: germline. Inheritance: Autosomal dominant inheritance. Affected: yes.

Literature cited by the submitters: PubMed 23757202 (cited by Athena Diagnostics).